The following is an entry in ClinVar:

NM_000465.4(BARD1):c.1178G>A (p.Gly393Asp)

Gene: BARD1 (BRCA1 associated RING domain 1; minus strand). Cytogenetic location: 2q35.
Variant type: single nucleotide variant.
Coding change: c.1178G>A on transcript NM_000465.4 (MANE Select); coding-DNA position 1178, G replaced by A.
Protein change: p.Gly393Asp; replaces glycine 393 with aspartic acid.
Molecular consequence: missense variant. On other transcripts: non-coding transcript variant (2), intron variant (3).
Genome position (GRCh38, 1-based): chr2:214,780,696, C>T on the plus strand (G>A on the coding strand, the complement: BARD1 is on the minus strand). VCF-style: chr2-214780696-C-T. GRCh37 (hg19) VCF-style: chr2-215645420-C-T.
Other names: c.1121G>A, p.Gly374Asp (NM_001282543.2); c.159-28141G>A (NM_001282548.2); c.215+16365G>A (NM_001282545.2); c.364+11601G>A (NM_001282549.2); short protein forms G374D, G393D.
Identifiers: ClinVar variation 1035656 (VCV001035656.10), dbSNP rs923271294, ClinGen allele CA350453848.
Genomic context (GRCh38, chr2:214,780,696, plus strand): 5'-GCTGAGGGACTAGACATCACTCGCCTGTAACTTGAACTACTTAATGTAGAAGGTGGTGTA[C>T]CTGGTGAAAGACTAATGAATTCATCGGACATGTTACTGTTTTTCCTCCCTGATGTACCAC-3'
Protein context (NP_000456.2, residues 383-403): MSDEFISLSP[Gly393Asp]TPPSTLSSSS

ClinVar aggregate classification (germline): Uncertain significance. Review status: criteria provided, multiple submitters, no conflicts (2 of 4 stars). 2 submissions from 2 submitters: Uncertain significance (2). Last evaluated 2021-09-18.

Conditions:
Hereditary cancer-predisposing syndrome. Also called: Hereditary neoplastic syndrome; Neoplastic Syndromes, Hereditary; Tumor predisposition; Hereditary Cancer Syndrome. Identifiers: Orphanet 140162, MedGen C0027672, MeSH D009386, MONDO:0015356.
Familial cancer of breast. Also called: Hereditary breast cancer; BREAST CANCER, FAMILIAL; hereditary breast carcinoma. Identifiers: Orphanet 227535, MedGen C0346153, MONDO:0016419, OMIM 114480. Disease mechanism: loss of function.

Submissions (2):

Labcorp Genetics (formerly Invitae), Labcorp
Classification: Uncertain significance for Familial cancer of breast. Last evaluated: 2021-09-18. Review status: criteria provided, single submitter. Criteria: Invitae Variant Classification Sherloc (09022015). Collection method: clinical testing. Allele origin: germline.
Comment: This sequence change replaces glycine with aspartic acid at codon 393 of the BARD1 protein (p.Gly393Asp). The glycine residue is moderately conserved and there is a moderate physicochemical difference between glycine and aspartic acid. This variant is not present in population databases (ExAC no frequency). This variant has not been reported in the literature in individuals affected with BARD1-related conditions. Algorithms developed to predict the effect of missense changes on protein structure and function are either unavailable or do not agree on the potential impact of this missense change (SIFT: "Deleterious"; PolyPhen-2: "Benign"; Align-GVGD: "Class C0"). In summary, the available evidence is currently insufficient to determine the role of this variant in disease. Therefore, it has been classified as a Variant of Uncertain Significance.

Ambry Genetics
Classification: Uncertain significance for Hereditary cancer-predisposing syndrome. Last evaluated: 2021-09-16. Review status: criteria provided, single submitter. Criteria: Ambry Variant Classification Scheme 2023. Collection method: clinical testing. Allele origin: germline.
Comment: The p.G393D variant (also known as c.1178G>A), located in coding exon 4 of the BARD1 gene, results from a G to A substitution at nucleotide position 1178. The glycine at codon 393 is replaced by aspartic acid, an amino acid with similar properties. This amino acid position is conserved. In addition, this alteration is predicted to be tolerated by in silico analysis. Since supporting evidence is limited at this time, the clinical significance of this alteration remains unclear.